The following is an entry in ClinVar:

NM_014000.3(VCL):c.1309G>A (p.Glu437Lys)

Gene: VCL (vinculin; plus strand). Cytogenetic location: 10q22.2.
Variant type: single nucleotide variant.
Coding change: c.1309G>A on transcript NM_014000.3 (MANE Select); coding-DNA position 1309, G replaced by A.
Protein change: p.Glu437Lys; replaces glutamic acid 437 with lysine.
Molecular consequence: missense variant.
Genome position (GRCh38, 1-based): chr10:74,090,155, G>A. VCF-style: chr10-74090155-G-A. GRCh37 (hg19) VCF-style: chr10-75849913-G-A.
Other names: c.1309G>A, p.Glu437Lys (NM_003373.4); short protein forms E437K.
Identifiers: ClinVar variation 810748 (VCV000810748.4), dbSNP rs765607137, ClinGen allele CA5562970.

ClinVar aggregate classification (germline): Uncertain significance. Review status: criteria provided, multiple submitters, no conflicts (2 of 4 stars). 2 submissions from 2 submitters: Uncertain significance (2). Last evaluated 2024-10-12.

Conditions:
Dilated cardiomyopathy 1W (CMD1W). Identifiers: Orphanet 154, MedGen C1969639, MONDO:0012667, OMIM 611407.
Hypertrophic cardiomyopathy 15. Identifiers: MedGen C2750459, MONDO:0013200, OMIM 613255.

Allele frequency attached by ClinVar (database versions not stated): ExAC 0.00001; gnomAD 0.00001; gnomAD exomes 0.00001.
gnomAD v4.1: 13 of 1,614,062 alleles (0.00081%); highest among the groups gnomAD compares: Non-Finnish European, 0.0011%; no homozygotes.

Submissions (2):

Labcorp Genetics (formerly Invitae), Labcorp
Classification: Uncertain significance for Dilated cardiomyopathy 1W. Last evaluated: 2024-10-12. Review status: criteria provided, single submitter. Criteria: Invitae Variant Classification Sherloc (09022015). Collection method: clinical testing. Allele origin: germline.
Comment: This sequence change replaces glutamic acid, which is acidic and polar, with lysine, which is basic and polar, at codon 437 of the VCL protein (p.Glu437Lys). This variant is present in population databases (rs765607137, gnomAD 0.003%). This variant has not been reported in the literature in individuals affected with VCL-related conditions. ClinVar contains an entry for this variant (Variation ID: 810748). An algorithm developed to predict the effect of missense changes on protein structure and function (PolyPhen-2) suggests that this variant is likely to be disruptive. In summary, the available evidence is currently insufficient to determine the role of this variant in disease. Therefore, it has been classified as a Variant of Uncertain Significance.

Agnes Ginges Centre for Molecular Cardiology, Centenary Institute
Classification: Uncertain significance for Hypertrophic cardiomyopathy 15. Last evaluated: 2018-10-16. Review status: criteria provided, single submitter. Criteria: ACMG Guidelines, 2015. Collection method: research. Allele origin: germline. Inheritance: Autosomal dominant inheritance. Affected: yes.
Comment: VCL Glu437Lys has not been previously reported but is present in the Genome Aggregation Database (AF= 0.000014). In silico tools SIFT, MutationTaster and PolyPhen2 predict this variant to be deleterious. Based on this information we classify this as a variant of 'uncertain significance'.